The following is an entry in ClinVar:

NM_004336.5(BUB1):c.1072G>T (p.Ala358Ser)

Gene: BUB1 (BUB1 mitotic checkpoint serine/threonine kinase; minus strand). Cytogenetic location: 2q13.
Variant type: single nucleotide variant.
Coding change: c.1072G>T on transcript NM_004336.5 (MANE Select); coding-DNA position 1072, G replaced by T.
Protein change: p.Ala358Ser; replaces alanine 358 with serine.
Molecular consequence: missense variant.
Genome position (GRCh38, 1-based): chr2:110,661,727, C>A on the plus strand (G>T on the coding strand, the complement: BUB1 is on the minus strand). VCF-style: chr2-110661727-C-A. GRCh37 (hg19) VCF-style: chr2-111419304-C-A.
Other names: c.1012G>T, p.Ala338Ser (NM_001278616.2); c.1072G>T, p.Ala358Ser (NM_001278617.2); short protein forms A358S, A338S.
Identifiers: ClinVar variation 1783942 (VCV001783942.3), dbSNP rs2468017511, ClinGen allele CA348214466.

ClinVar aggregate classification (germline): Uncertain significance (1 of 4 stars; one submission).

Allele frequency attached by ClinVar (database versions not stated): gnomAD exomes below 0.00001.
gnomAD v4.1: 1 of 1,614,208 alleles (0.000062%); highest among the groups gnomAD compares: Non-Finnish European, 0.000085%; no homozygotes.

Submission:

Ambry Genetics
Classification: Uncertain significance. Last evaluated: 2024-07-26. Review status: criteria provided, single submitter. Criteria: Ambry Variant Classification Scheme 2023. Collection method: clinical testing. Allele origin: germline.
Comment: The p.A358S variant (also known as c.1072G>T), located in coding exon 10 of the BUB1 gene, results from a G to T substitution at nucleotide position 1072. The alanine at codon 358 is replaced by serine, an amino acid with similar properties. This amino acid position is conserved. In addition, this alteration is predicted to be tolerated by in silico analysis. Since supporting evidence is limited at this time, the clinical significance of this alteration remains unclear.